The following is an entry in ClinVar:

ClinVar aggregate classification (germline): Uncertain significance (1 of 4 stars; one submission).

Conditions:
Hereditary breast ovarian cancer syndrome. Also called: Hereditary breast and ovarian cancer syndrome; Hereditary breast and ovarian cancer syndrome (HBOC); BRCA1- and BRCA2-Associated Hereditary Breast and Ovarian Cancer; Hereditary breast and ovarian cancer; Breast and ovarian cancer; Hereditary breast and/or ovarian cancer syndrome. Identifiers: Orphanet 145, MedGen C0677776, MeSH D061325, MONDO:0003582. Disease mechanism: loss of function.

Submission:

Labcorp Genetics (formerly Invitae), Labcorp
Classification: Uncertain significance for Hereditary breast ovarian cancer syndrome. Last evaluated: 2025-08-07. Review status: criteria provided, single submitter. Criteria: Invitae Variant Classification Sherloc (09022015). Collection method: clinical testing. Allele origin: germline.
Comment: This sequence change replaces leucine, which is neutral and non-polar, with proline, which is neutral and non-polar, at codon 1439 of the BRCA1 protein (p.Leu1439Pro). This variant is not present in population databases (gnomAD no frequency). This variant has not been reported in the literature in individuals affected with BRCA1-related conditions. ClinVar contains an entry for this variant (Variation ID: 2769335). Invitae Evidence Modeling of protein sequence and biophysical properties (such as structural, functional, and spatial information, amino acid conservation, physicochemical variation, residue mobility, and thermodynamic stability) indicates that this missense variant is not expected to disrupt BRCA1 protein function with a negative predictive value of 80%. In summary, the available evidence is currently insufficient to determine the role of this variant in disease. Therefore, it has been classified as a Variant of Uncertain Significance.

NM_007294.4(BRCA1):c.4316T>C (p.Leu1439Pro)

Gene: BRCA1 (BRCA1 DNA repair associated; minus strand). Cytogenetic location: 17q21.31.
Variant type: single nucleotide variant.
Coding change: c.4316T>C on transcript NM_007294.4 (MANE Select); coding-DNA position 4316, T replaced by C.
Protein change: p.Leu1439Pro; replaces leucine 1439 with proline.
Molecular consequence: missense variant.
Genome position (GRCh38, 1-based): chr17:43,082,445, A>G on the plus strand (T>C on the coding strand, the complement: BRCA1 is on the minus strand). VCF-style: chr17-43082445-A-G. GRCh37 (hg19) VCF-style: chr17-41234462-A-G.
Other names: c.881T>C, p.Leu294Pro (NM_001408444.1, NM_001408445.1, NM_001408446.1 and 10 more transcripts); c.4310T>C, p.Leu1437Pro (NM_001407630.1, NM_001407631.1, NM_001407632.1 and 5 more transcripts); c.4313T>C, p.Leu1438Pro (NM_001407633.1, NM_001407634.1, NM_001407636.1 and 21 more transcripts); c.872T>C, p.Leu291Pro (NM_001408451.1); c.866T>C, p.Leu289Pro (NM_001408452.1, NM_001408454.1, NM_001408455.1 and 8 more transcripts); c.668T>C, p.Leu223Pro (NM_001408508.1, NM_001408509.1); c.626T>C, p.Leu209Pro (NM_001408510.1); c.623T>C, p.Leu208Pro (NM_001408511.1); and 51 more; short protein forms L1311P, L1326P, L1349P, L1368P, L1369P, L1411P, L1435P, L208P.
Identifiers: ClinVar variation 2769335 (VCV002769335.3), dbSNP rs2154148647, ClinGen allele CA10593089.